The following is an entry in ClinVar:

NM_020347.4(LZTFL1):c.745_746del (p.Arg249fs)

Gene: LZTFL1 (leucine zipper transcription factor like 1; minus strand). Cytogenetic location: 3p21.31.
Variant type: Deletion.
Coding change: c.745_746del on transcript NM_020347.4 (MANE Select); coding-DNA positions 745 to 746, 2 bases deleted (AG; older notation c.745_746delAG).
Protein change: p.Arg249fs; shifts the reading frame from arginine 249.
Molecular consequence: frameshift variant. On other transcripts: non-coding transcript variant (2).
Genome position (GRCh38, 1-based): chr3:45,828,470-45,828,471, CT deleted on the plus strand (AG on the coding strand, the reverse complement: LZTFL1 is on the minus strand). VCF-style (leftmost placement, unchanged base first): chr3-45828469-CCT-C. GRCh37 (hg19) VCF-style: chr3-45869961-CCT-C.
Other names: c.745_746delAG (NM_020347.3); c.694_695del, p.Arg232fs (NM_001276378.2, NM_001386451.1, NM_001405922.1 and 4 more transcripts); c.733_734del, p.Arg245fs (NM_001276379.2, NM_001405921.1); c.745_746del, p.Arg249fs (NM_001386452.1); c.769_770del, p.Arg257fs (NM_001405920.1, NM_001405925.1); c.679_680del, p.Arg227fs (NM_001405924.1); short protein forms R232fs, R249fs, R227fs, R257fs, R245fs.
Identifiers: ClinVar variation 3589175 (VCV003589175.2).
Genomic context (GRCh38, chr3:45,828,469, plus strand): 5'-AGACAAATCCCTTAAACATGGTCTTCTGACCTTTTCAGCCATGTGCAGCTGCTCCTGAAC[CCT>C]GAGTAGATCGTGCTTGGCTGTCGCCAGATTCTCCTCCAGTGACTTCTGGTTTTCTGTCTT-3'

ClinVar aggregate classification (germline): Likely pathogenic. Review status: criteria provided, multiple submitters, no conflicts (2 of 4 stars). 2 submissions from 2 submitters: Likely pathogenic (2). Last evaluated 2025-11-06.

Conditions:
Bardet-Biedl syndrome 17 (BBS17). Identifiers: Orphanet 110, MedGen C3714980, MONDO:0014445, OMIM 615994.
LZTFL1-related disorder. Also called: LZTFL1-related condition.

Submissions (2):

PreventionGenetics, part of Exact Sciences
Classification: Likely pathogenic for LZTFL1-related condition. Last evaluated: 2025-11-06. Review status: criteria provided, single submitter. Criteria: ACMG Guidelines, 2015. Collection method: clinical testing. Allele origin: germline.
Comment: The LZTFL1 c.745_746delAG variant is predicted to result in a frameshift and premature protein termination (p.Arg249Glyfs*9). To our knowledge, this variant has not been reported in the literature. This variant has not been reported in a large population database (gnomAD), indicating this variant is rare. Frameshift variants in LZTFL1 are expected to be pathogenic. This variant is interpreted as likely pathogenic.

Fulgent Genetics
Classification: Likely pathogenic for Bardet-Biedl syndrome 17. Last evaluated: 2024-03-28. Review status: criteria provided, single submitter. Criteria: ACMG Guidelines, 2015. Collection method: clinical testing. Allele origin: germline.